The following is an entry in ClinVar:

NM_001369.3(DNAH5):c.5435_5436insGATGTGTATAAGAGACAGT (p.Glu1813fs)

Gene: DNAH5 (dynein axonemal heavy chain 5; minus strand). Cytogenetic location: 5p15.2.
Variant type: Insertion.
Coding change: c.5435_5436insGATGTGTATAAGAGACAGT on transcript NM_001369.3 (MANE Select); coding-DNA positions 5435 to 5436, GATGTGTATAAGAGACAGT inserted.
Protein change: p.Glu1813fs; shifts the reading frame from glutamic acid 1813.
Molecular consequence: frameshift variant.
Genome position: GRCh38 VCF-style: chr5-13841740-T-TACTGTCTCTTATACACATC. GRCh37 (hg19) VCF-style: chr5-13841849-T-TACTGTCTCTTATACACATC.
Other names: short protein forms E1813fs.
Identifiers: ClinVar variation 5016348 (VCV005016348.1).
Genomic context (GRCh38, chr5:13,841,740, plus strand): 5'-CAATACACTGACCTGAGCAGGGAAGGATGAAAGAAATTCAGTTAGTTGGAAACCTGTTTC[T>TACTGTCTCTTATACACATC]TGAATATTTGCGGCTGCCTGGCGAATCACAAGATGCAATGAGGACTGAGATTCTTCCAAA-3'

ClinVar aggregate classification (germline): Pathogenic (1 of 4 stars; one submission).

Conditions:
Primary ciliary dyskinesia 3. Identifiers: Orphanet 244, MedGen C1837618, MONDO:0012085, OMIM 608644.

Submission:

Myriad Genetics, Inc.
Classification: Pathogenic for Primary ciliary dyskinesia 3. Last evaluated: 2024-05-14. Review status: criteria provided, single submitter. Criteria: Myriad Autosomal Dominant, Autosomal Recessive and X-Linked Classification Criteria (2023). Collection method: clinical testing. Allele origin: unknown.
Comment: NM_001369.2(DNAH5):c.5435_5436ins19(E1813Mfs*14) is expected to be pathogenic in the context of primary ciliary dyskinesia, DNAH5-related. This variant is predicted to lead to an abnormal or absent protein product due to the creation of a premature termination codon in DNAH5, a gene where loss-of-function variants are known to be pathogenic. Please note: this variant was assessed in the context of healthy population screening.